The following is an entry in ClinVar:

NM_001104631.2(PDE4D):c.924T>A (p.Phe308Leu)

Gene: PDE4D (phosphodiesterase 4D; minus strand). Cytogenetic location: 5q11.2.
Variant type: single nucleotide variant.
Coding change: c.924T>A on transcript NM_001104631.2 (MANE Select); coding-DNA position 924, T replaced by A.
Protein change: p.Phe308Leu; replaces phenylalanine 308 with leucine.
Molecular consequence: missense variant.
Genome position (GRCh38, 1-based): chr5:58,993,463, A>T on the plus strand (T>A on the coding strand, the complement: PDE4D is on the minus strand). VCF-style: chr5-58993463-A-T. GRCh37 (hg19) VCF-style: chr5-58289290-A-T.
Other names: c.741T>A, p.Phe247Leu (NM_001165899.2, NM_001364599.1); c.732T>A, p.Phe244Leu (NM_001197218.2); c.558T>A, p.Phe186Leu (NM_001197219.2); c.534T>A, p.Phe178Leu (NM_001197220.2); c.18T>A, p.Phe6Leu (NM_001197221.2, NM_001364603.1); c.252T>A, p.Phe84Leu (NM_001197222.2); c.51T>A, p.Phe17Leu (NM_001197223.2); c.711T>A, p.Phe237Leu (NM_001349241.2); and 3 more; short protein forms F172L, F178L, F17L, F247L, F6L, F244L, F308L, F186L.
Identifiers: ClinVar variation 3728735 (VCV003728735.2).

ClinVar aggregate classification (germline): Uncertain significance (1 of 4 stars; one submission).

Submission:

Labcorp Genetics (formerly Invitae), Labcorp
Classification: Uncertain significance. Last evaluated: 2025-01-08. Review status: criteria provided, single submitter. Criteria: Invitae Variant Classification Sherloc (09022015). Collection method: clinical testing. Allele origin: germline.
Comment: This sequence change replaces phenylalanine, which is neutral and non-polar, with leucine, which is neutral and non-polar, at codon 308 of the PDE4D protein (p.Phe308Leu). This variant is not present in population databases (gnomAD no frequency). This variant has not been reported in the literature in individuals affected with PDE4D-related conditions. An algorithm developed to predict the effect of missense changes on protein structure and function (PolyPhen-2) suggests that this variant is likely to be disruptive. In summary, the available evidence is currently insufficient to determine the role of this variant in disease. Therefore, it has been classified as a Variant of Uncertain Significance.